The following is an entry in ClinVar:

ClinVar aggregate classification (germline): Pathogenic/Likely pathogenic. Review status: criteria provided, multiple submitters, no conflicts (2 of 4 stars). 2 submissions from 2 submitters: Pathogenic (1); Likely pathogenic (1). Last evaluated 2018-02-26.

Conditions:
CCDC39-related disorder. Also called: CCDC39-related condition.
Primary ciliary dyskinesia. Also called: Ciliary dyskinesia. Identifiers: Orphanet 244, MedGen C0008780, MONDO:0016575, HP:0012265.

Submissions (2):

Labcorp Genetics (formerly Invitae), Labcorp
Classification: Pathogenic for Primary ciliary dyskinesia. Last evaluated: 2018-02-26. Review status: criteria provided, single submitter. Criteria: Invitae Variant Classification Sherloc (09022015). Collection method: clinical testing. Allele origin: germline.
Comment: This variant is not present in population databases (ExAC no frequency). This sequence change creates a premature translational stop signal (p.Lys190Asnfs*3) in the CCDC39 gene. It is expected to result in an absent or disrupted protein product. This variant has not been reported in the literature in individuals with CCDC39-related disease. Loss-of-function variants in CCDC39 are known to be pathogenic (PMID: 21131972, 23255504). For these reasons, this variant has been classified as Pathogenic.

Blueprint Genetics
Classification: Likely pathogenic for CCDC39-related disorders. Last evaluated: 2017-06-12. Review status: criteria provided, single submitter. Criteria: ACMG Guidelines, 2015. Collection method: clinical testing. Allele origin: germline. Affected: yes. Observed: 1 variant allele.

Literature cited by the submitters: PubMed 21131972 (cited by Labcorp Genetics (formerly Invitae), Labcorp); PubMed 23255504 (cited by Labcorp Genetics (formerly Invitae), Labcorp).

NM_181426.2(CCDC39):c.570_571del (p.Lys190fs)

Gene: CCDC39 (coiled-coil domain 39 molecular ruler complex subunit; minus strand). Cytogenetic location: 3q26.33.
Variant type: Deletion.
Coding change: c.570_571del on transcript NM_181426.2 (MANE Select); coding-DNA positions 570 to 571, 2 bases deleted (GA; older notation c.570_571delGA).
Protein change: p.Lys190fs; shifts the reading frame from lysine 190.
Molecular consequence: frameshift variant.
Genome position (GRCh38, 1-based): chr3:180,659,715-180,659,716, TC deleted on the plus strand (GA on the coding strand, the reverse complement: CCDC39 is on the minus strand); deleting any 2 consecutive bases within chr3:180,659,715-180,659,717 gives the same sequence; the c. name uses the placement nearest the transcript's 3' end. VCF-style (leftmost placement, unchanged base first): chr3-180659714-ATC-A. GRCh37 (hg19) VCF-style: chr3-180377502-ATC-A.
Other names: short protein forms K190fs.
Identifiers: ClinVar variation 572863 (VCV000572863.8), dbSNP rs1560092160, ClinGen allele CA891842853.